The following is an entry in ClinVar:

ClinVar aggregate classification (germline): Pathogenic/Likely pathogenic. Review status: criteria provided, multiple submitters, no conflicts (2 of 4 stars). 7 submissions from 7 submitters: Pathogenic (3); Likely pathogenic (2). 2 of the submissions do not count toward it. Last evaluated 2024-10-17.

Conditions:
Usher syndrome type 1 (USH1). Also called: RETINITIS PIGMENTOSA AND CONGENITAL DEAFNESS. Identifiers: Orphanet 231169, Orphanet 886, MedGen C1568247, MONDO:0010168, OMIM 276900.
Autosomal recessive nonsyndromic hearing loss 2. Also called: NEUROSENSORY NONSYNDROMIC RECESSIVE DEAFNESS 2; DEAFNESS, AUTOSOMAL RECESSIVE 2. Identifiers: Orphanet 90636, MedGen C1838701, MONDO:0010807, OMIM 600060.
MYO7A-related disorder. Also called: MYO7A-related disorders.
Autosomal dominant nonsyndromic hearing loss 11. Identifiers: Orphanet 90635, MedGen C1832475, MONDO:0011032, OMIM 601317.
Usher syndrome type 1B (USH1B). Also called: Usher syndrome type IB. Identifiers: MedGen C1848638, MONDO:0700087.

Allele frequency attached by ClinVar (database versions not stated): gnomAD exomes below 0.00001 and 0.00001.
gnomAD v4.1: 8 of 1,608,116 alleles (0.0005%); highest among the groups gnomAD compares: Non-Finnish European, 0.00068%; no homozygotes.

Submissions (7):

Blueprint Genetics
Classification: Pathogenic for MYO7A-related disorders. Last evaluated: 2024-10-17. Review status: criteria provided, single submitter. Criteria: ACMG Guidelines, 2015. Collection method: clinical testing. Allele origin: germline. Affected: yes. Observed: 3 variant alleles.

Natera, Inc.
Classification: Likely pathogenic for Usher syndrome type 1B. Last evaluated: 2024-09-30. Review status: criteria provided, single submitter. Criteria: Natera Variant Classification Schema (03/2026). Collection method: clinical testing. Allele origin: germline.
Comment: The c.1969C>T variant in MYO7A is a missense variant predicted to cause substitution of arginine to tryptophan at amino acid 657. This variant is rare in the general population with a frequency below the threshold expected for the associated phenotype(s). This variant has been observed in one or more individuals affected with the associated recessive disease, as either homozygous or compound heterozygous with a second variant (PMID: 26309859, 27460420). Computational prediction algorithms indicate this variant is likely to affect gene or protein function. Given the available evidence, this variant is classified as Likely Pathogenic.

Labcorp Genetics (formerly Invitae), Labcorp
Classification: Pathogenic. Last evaluated: 2023-12-11. Review status: criteria provided, single submitter. Criteria: Invitae Variant Classification Sherloc (09022015). Collection method: clinical testing. Allele origin: germline.
Comment: This sequence change replaces arginine, which is basic and polar, with tryptophan, which is neutral and slightly polar, at codon 657 of the MYO7A protein (p.Arg657Trp). The frequency data for this variant in the population databases is considered unreliable, as metrics indicate poor data quality at this position in the gnomAD database. This missense change has been observed in individuals with autosomal recessive non-syndromic deafness or Usher syndrome (PMID: 24105371, 26309859, 26338283, 27460420). ClinVar contains an entry for this variant (Variation ID: 242392). Advanced modeling of protein sequence and biophysical properties (such as structural, functional, and spatial information, amino acid conservation, physicochemical variation, residue mobility, and thermodynamic stability) performed at Invitae indicates that this missense variant is expected to disrupt MYO7A protein function with a positive predictive value of 95%. For these reasons, this variant has been classified as Pathogenic.

GeneDx
Classification: Likely pathogenic. Last evaluated: 2023-11-03. Review status: criteria provided, single submitter. Criteria: GeneDx Variant Classification Process June 2021. Collection method: clinical testing. Allele origin: germline. Affected: yes.
Comment: Not observed at significant frequency in large population cohorts (gnomAD); In silico analysis supports that this missense variant has a deleterious effect on protein structure/function; This variant is associated with the following publications: (PMID: 16963483, 24105371, 36164746, 26309859, 33576794, 34148116, 33671976, 36460718, 26338283, 27460420)

Fulgent Genetics
Classification: Pathogenic for Usher syndrome type 1; Autosomal recessive nonsyndromic hearing loss 2; Autosomal dominant nonsyndromic hearing loss 11. Last evaluated: 2018-10-31. Review status: criteria provided, single submitter. Criteria: ACMG Guidelines, 2015. Collection method: clinical testing. Allele origin: unknown.

Laboratory of Prof. Karen Avraham, Tel Aviv University
Classification: Pathogenic for Autosomal recessive nonsyndromic hearing loss 2. Last evaluated: 2018-05-07. Review status: no assertion criteria provided. Collection method: research. Allele origin: germline. Affected: yes. Not counted in ClinVar's aggregate classification.
Comment: Recessive, congenital, profound NSHL

Counsyl
Classification: Likely pathogenic for Usher syndrome type 1; Autosomal recessive nonsyndromic hearing loss 2. Last evaluated: 2018-05-02. Review status: no assertion criteria provided. Collection method: clinical testing. Allele origin: unknown. Not counted in ClinVar's aggregate classification.

Literature cited by the submitters: PubMed 26309859 (cited by 3 submitters); PubMed 27460420 (cited by 3 submitters); PubMed 24105371 (cited by 3 submitters); PubMed 26338283 (cited by Labcorp Genetics (formerly Invitae), Labcorp and Counsyl).

NM_000260.4(MYO7A):c.1969C>T (p.Arg657Trp)

Gene: MYO7A (myosin VIIA; plus strand). Cytogenetic location: 11q13.5.
Variant type: single nucleotide variant.
Coding change: c.1969C>T on transcript NM_000260.4 (MANE Select); coding-DNA position 1969, C replaced by T.
Protein change: p.Arg657Trp; replaces arginine 657 with tryptophan.
Molecular consequence: missense variant.
Genome position (GRCh38, 1-based): chr11:77,174,789, C>T. VCF-style: chr11-77174789-C-T. GRCh37 (hg19) VCF-style: chr11-76885835-C-T.
Other names: c.1969C>T, p.Arg657Trp (NM_001127180.2); c.1936C>T, p.Arg646Trp (NM_001369365.1); short protein forms R657W, R646W.
Identifiers: ClinVar variation 242392 (VCV000242392.13), dbSNP rs878853236, ClinGen allele CA16616838.